The following is an entry in ClinVar:

NM_001040142.2(SCN2A):c.1164C>A (p.Asn388Lys)

Gene: SCN2A (sodium voltage-gated channel alpha subunit 2; plus strand). Cytogenetic location: 2q24.3.
Variant type: single nucleotide variant.
Coding change: c.1164C>A on transcript NM_001040142.2 (MANE Select); coding-DNA position 1164, C replaced by A.
Protein change: p.Asn388Lys; replaces asparagine 388 with lysine.
Molecular consequence: missense variant.
Genome position (GRCh38, 1-based): chr2:165,313,749, C>A. VCF-style: chr2-165313749-C-A. GRCh37 (hg19) VCF-style: chr2-166170259-C-A.
Other names: c.1164C>A, p.Asn388Lys (NM_001040143.2, NM_001371246.1, NM_001371247.1 and 1 more transcripts); short protein forms N388K.
Identifiers: ClinVar variation 3769930 (VCV003769930.2).

ClinVar aggregate classification (germline): Uncertain significance (1 of 4 stars; one submission).

Submission:

GeneDx
Classification: Uncertain significance. Last evaluated: 2025-05-28. Review status: criteria provided, single submitter. Criteria: GeneDx Variant Classification Process June 2021. Collection method: clinical testing. Allele origin: germline.
Comment: Not observed at significant frequency in large population cohorts (gnomAD); In silico analysis supports that this missense variant has a deleterious effect on protein structure/function; Has not been previously published as pathogenic or benign to our knowledge; This substitution is predicted to be within the pore forming loop between the S5 and S6 transmembrane segments of the first homologous domain